The following is an entry in ClinVar:

ClinVar aggregate classification (germline): Uncertain significance. Review status: no assertion criteria provided (0 of 4 stars). 2 submissions from 1 submitter: Uncertain significance (1). 1 of the submissions does not count toward it.

Submissions (2):

Richard Lifton Laboratory, Yale University School of Medicine
Classification: Uncertain significance. Review status: no assertion criteria provided. Collection method: not provided. Allele origin: somatic.
Comment: UBTF:p.E685*
ClinVar note: Converted during submission from unknown to Uncertain significance.

Richard Lifton Laboratory, Yale University School of Medicine
Classification: Likely pathogenic. Review status: flagged submission. Collection method: not provided. Allele origin: somatic. Not counted in ClinVar's aggregate classification.
ClinVar note: Converted during submission from probable-pathogenic to Likely pathogenic.
ClinVar note: Reason: This record appears to be redundant with a more recent record from the same submitter.
ClinVar note: Notes: SCV000120042 appears to be redundant with SCV000155145.

NM_014233.4(UBTF):c.2164G>T (p.Asp722Tyr)

Genes: ATXN7L3-AS1 (ATXN7L3 antisense RNA 1; plus strand), UBTF (upstream binding transcription factor; minus strand). Cytogenetic location: 17q21.31.
Variant type: single nucleotide variant.
Coding change: c.2164G>T on transcript NM_014233.4 (MANE Select); coding-DNA position 2164, G replaced by T.
Protein change: p.Asp722Tyr; replaces aspartic acid 722 with tyrosine.
Molecular consequence: missense variant. On other transcripts: non-coding transcript variant (1).
Genome position (GRCh38, 1-based): chr17:44,207,459, C>A on the plus strand (G>T on the coding strand, the complement: UBTF is on the minus strand). VCF-style: chr17-44207459-C-A. GRCh37 (hg19) VCF-style: chr17-42284827-C-A.
Other names: c.2053G>T, p.Asp685Tyr (NM_001076683.2, NM_001076684.3); short protein forms D685Y, D722Y.
Identifiers: ClinVar variation 100822 (VCV000100822.3), dbSNP rs483352703, ClinGen allele CA229066.